The following is an entry in ClinVar:

NM_052947.4(ALPK2):c.6021A>C (p.Glu2007Asp)

Gene: ALPK2 (alpha kinase 2; minus strand). Cytogenetic location: 18q21.31.
Variant type: single nucleotide variant.
Coding change: c.6021A>C on transcript NM_052947.4 (MANE Select); coding-DNA position 6021, A replaced by C.
Protein change: p.Glu2007Asp; replaces glutamic acid 2007 with aspartic acid.
Molecular consequence: missense variant.
Genome position (GRCh38, 1-based): chr18:58,515,001, T>G on the plus strand (A>C on the coding strand, the complement: ALPK2 is on the minus strand). VCF-style: chr18-58515001-T-G. GRCh37 (hg19) VCF-style: chr18-56182233-T-G.
Other names: short protein forms E2007D.
Identifiers: ClinVar variation 1751134 (VCV001751134.2), dbSNP rs1002776344, ClinGen allele CA402546161.

ClinVar aggregate classification (germline): Uncertain significance (1 of 4 stars; one submission).

Submission:

Ambry Genetics
Classification: Uncertain significance. Last evaluated: 2022-01-10. Review status: criteria provided, single submitter. Criteria: Ambry Variant Classification Scheme 2023. Collection method: clinical testing. Allele origin: germline.
Comment: The p.E2007D variant (also known as c.6021A>C), located in coding exon 9 of the ALPK2 gene, results from an A to C substitution at nucleotide position 6021. The glutamic acid at codon 2007 is replaced by aspartic acid, an amino acid with highly similar properties. This amino acid position is conserved. In addition, this alteration is predicted to be tolerated by in silico analysis. Since supporting evidence is limited at this time, the clinical significance of this alteration remains unclear.